The following is an entry in ClinVar:

ClinVar aggregate classification (germline): Uncertain significance (1 of 4 stars; one submission).

Submission:

GeneDx
Classification: Uncertain significance. Last evaluated: 2025-02-01. Review status: criteria provided, single submitter. Criteria: GeneDx Variant Classification Process June 2021. Collection method: clinical testing. Allele origin: germline. Affected: yes.
Comment: Not observed at significant frequency in large population cohorts (gnomAD); In silico analysis indicates that this missense variant does not alter protein structure/function; Has not been previously published as pathogenic or benign to our knowledge

NM_182961.4(SYNE1):c.6248G>A (p.Gly2083Glu)

Gene: SYNE1 (spectrin repeat containing nuclear envelope protein 1; minus strand). Cytogenetic location: 6q25.2.
Variant type: single nucleotide variant.
Coding change: c.6248G>A on transcript NM_182961.4 (MANE Select); coding-DNA position 6248, G replaced by A.
Protein change: p.Gly2083Glu; replaces glycine 2083 with glutamic acid.
Molecular consequence: missense variant.
Genome position (GRCh38, 1-based): chr6:152,409,692, C>T on the plus strand (G>A on the coding strand, the complement: SYNE1 is on the minus strand). VCF-style: chr6-152409692-C-T. GRCh37 (hg19) VCF-style: chr6-152730827-C-T.
Other names: c.6269G>A, p.Gly2090Glu (NM_033071.5); short protein forms G2083E, G2090E.
Identifiers: ClinVar variation 4072656 (VCV004072656.1).